The following is an entry in ClinVar:

NC_000007.13:g.(?_70163535)_(70255982_?)del

Gene: AUTS2 (activator of transcription and developmental regulator AUTS2; plus strand). Cytogenetic location: 7q11.22.
Variant type: Deletion.
Identifiers: ClinVar variation 2426189 (VCV002426189.4).

ClinVar aggregate classification (germline): Pathogenic (1 of 4 stars; one submission).

Submission:

Labcorp Genetics (formerly Invitae), Labcorp
Classification: Pathogenic. Last evaluated: 2022-05-09. Review status: criteria provided, single submitter. Criteria: Invitae Variant Classification Sherloc (09022015). Collection method: clinical testing. Allele origin: germline.
Comment: This variant is a gross deletion of the genomic region encompassing exon(s) 6-19 of the AUTS2 gene, which includes the termination codon. This deletion extends beyond the assayed region for this gene and therefore may encompass additional genes. While this deletion is not anticipated to lead to nonsense mediated decay, it is expected to alter mRNA translation or result in a truncated protein product. A similar copy number variant has been observed in individual(s) with intellectual disability and/or multiple congenital abnormalities (PMID: 23332918). This variant disrupts a region of the AUTS2 protein in which other variant(s) (Deletion (Exons 7-19)) have been determined to be pathogenic (PMID: 23332918). This suggests that this is a clinically significant region of the protein, and that variants that disrupt it are likely to be disease-causing. For these reasons, this variant has been classified as Pathogenic.

Literature cited by the submitters: PubMed 23332918.